The following is an entry in ClinVar:

NM_005529.7(HSPG2):c.9264C>G (p.Thr3088=)

Gene: HSPG2 (heparan sulfate proteoglycan 2; minus strand). Cytogenetic location: 1p36.12.
Variant type: single nucleotide variant.
Coding change: c.9264C>G on transcript NM_005529.7 (MANE Select); coding-DNA position 9264, C replaced by G.
Protein change: p.Thr3088=; no amino-acid change (threonine 3088 retained).
Molecular consequence: synonymous variant.
Genome position (GRCh38, 1-based): chr1:21,841,603, G>C on the plus strand (C>G on the coding strand, the complement: HSPG2 is on the minus strand). VCF-style: chr1-21841603-G-C. GRCh37 (hg19) VCF-style: chr1-22168096-G-C.
Other names: c.9267C>G, p.Thr3089= (NM_001291860.2).
Identifiers: ClinVar variation 3369912 (VCV003369912.1).
Genomic context (GRCh38, chr1:21,841,603, plus strand): 5'-CACACTGAGGTTCACCACACTCTGGGCCACACCGTAGGCATTGGAGGCCACGCAGCGGTA[G>C]GTACCGTGGTTGCTGGGCCGGGTGCCCACGATGGTGATGATGGAGCCATTGGGACTGATG-3'
Protein context (NP_005520.4, residues 3078-3098): IVGTRPSNHG[Thr3088=]YRCVASNAYG

ClinVar aggregate classification (germline): Uncertain significance (1 of 4 stars; one submission).

gnomAD v4.1: 3 of 1,614,212 alleles (0.00019%); highest among the groups gnomAD compares: Non-Finnish European, 0.00025%; no homozygotes.

Submission:

GeneDx
Classification: Uncertain significance. Last evaluated: 2024-04-22. Review status: criteria provided, single submitter. Criteria: GeneDx Variant Classification Process June 2021. Collection method: clinical testing. Allele origin: germline. Affected: yes.
Comment: Not observed at significant frequency in large population cohorts (gnomAD); In silico analysis supports a deleterious effect on splicing; Has not been previously published as pathogenic or benign to our knowledge